The following is an entry in ClinVar:

NM_001352514.2(HLCS):c.1342G>C (p.Gly448Arg)

Gene: HLCS (holocarboxylase synthetase; minus strand). Cytogenetic location: 21q22.13.
Variant type: single nucleotide variant.
Coding change: c.1342G>C on transcript NM_001352514.2 (MANE Select); coding-DNA position 1342, G replaced by C.
Protein change: p.Gly448Arg; replaces glycine 448 with arginine.
Molecular consequence: missense variant. On other transcripts: non-coding transcript variant (2).
Genome position (GRCh38, 1-based): chr21:36,936,544, C>G on the plus strand (G>C on the coding strand, the complement: HLCS is on the minus strand). VCF-style: chr21-36936544-C-G. GRCh37 (hg19) VCF-style: chr21-38308844-C-G.
Other names: c.901G>C, p.Gly301Arg (NM_000411.8, NM_001242784.3, NM_001242785.2 and 4 more transcripts); short protein forms G301R, G448R.
Identifiers: ClinVar variation 1929350 (VCV001929350.5), dbSNP rs200886053, ClinGen allele CA409912061.

ClinVar aggregate classification (germline): Uncertain significance (1 of 4 stars; one submission).

Conditions:
Holocarboxylase synthetase deficiency. Also called: MULTIPLE CARBOXYLASE DEFICIENCY, EARLY ONSET. Identifiers: Orphanet 79242, MedGen C0268581, MONDO:0009666, OMIM 253270.

Submission:

Labcorp Genetics (formerly Invitae), Labcorp
Classification: Uncertain significance for Holocarboxylase synthetase deficiency. Last evaluated: 2024-06-17. Review status: criteria provided, single submitter. Criteria: Invitae Variant Classification Sherloc (09022015). Collection method: clinical testing. Allele origin: germline.
Comment: This sequence change replaces glycine, which is neutral and non-polar, with arginine, which is basic and polar, at codon 301 of the HLCS protein (p.Gly301Arg). This variant is not present in population databases (gnomAD no frequency). This variant has not been reported in the literature in individuals affected with HLCS-related conditions. ClinVar contains an entry for this variant (Variation ID: 1929350). Advanced modeling of protein sequence and biophysical properties (such as structural, functional, and spatial information, amino acid conservation, physicochemical variation, residue mobility, and thermodynamic stability) has been performed at Invitae for this missense variant, however the output from this modeling did not meet the statistical confidence thresholds required to predict the impact of this variant on HLCS protein function. In summary, the available evidence is currently insufficient to determine the role of this variant in disease. Therefore, it has been classified as a Variant of Uncertain Significance.